The following is an entry in ClinVar:

NM_018896.5(CACNA1G):c.5317A>G (p.Thr1773Ala)

Gene: CACNA1G (calcium voltage-gated channel subunit alpha1 G; plus strand). Cytogenetic location: 17q21.33.
Variant type: single nucleotide variant.
Coding change: c.5317A>G on transcript NM_018896.5 (MANE Select); coding-DNA position 5317, A replaced by G.
Protein change: p.Thr1773Ala; replaces threonine 1773 with alanine.
Molecular consequence: missense variant. On other transcripts: non-coding transcript variant (5).
Genome position (GRCh38, 1-based): chr17:50,618,233, A>G. VCF-style: chr17-50618233-A-G. GRCh37 (hg19) VCF-style: chr17-48695594-A-G.
Other names: c.5263A>G, p.Thr1755Ala (NM_001256324.2, NM_198386.3); c.5338A>G, p.Thr1780Ala (NM_001256325.2); c.5182A>G, p.Thr1728Ala (NM_001256326.2, NM_001256330.2); c.5296A>G, p.Thr1766Ala (NM_001256327.2); c.5242A>G, p.Thr1748Ala (NM_001256328.2); c.5215A>G, p.Thr1739Ala (NM_001256329.2, NM_198376.3, NM_198379.3 and 2 more transcripts); c.5161A>G, p.Thr1721Ala (NM_001256331.2); c.5146A>G, p.Thr1716Ala (NM_001256332.2); and 7 more; short protein forms T1728A, T1737A, T1746A, T1750A, T1762A, T1721A, T1748A, T1766A.
Identifiers: ClinVar variation 2708392 (VCV002708392.3), dbSNP rs2545749939, ClinGen allele CA400264013.

ClinVar aggregate classification (germline): Uncertain significance (1 of 4 stars; one submission).

Submission:

Labcorp Genetics (formerly Invitae), Labcorp
Classification: Uncertain significance. Last evaluated: 2024-01-09. Review status: criteria provided, single submitter. Criteria: Invitae Variant Classification Sherloc (09022015). Collection method: clinical testing. Allele origin: germline.
Comment: This sequence change replaces threonine, which is neutral and polar, with alanine, which is neutral and non-polar, at codon 1773 of the CACNA1G protein (p.Thr1773Ala). This variant is not present in population databases (gnomAD no frequency). This variant has not been reported in the literature in individuals affected with CACNA1G-related conditions. Advanced modeling of protein sequence and biophysical properties (such as structural, functional, and spatial information, amino acid conservation, physicochemical variation, residue mobility, and thermodynamic stability) performed at Invitae indicates that this missense variant is not expected to disrupt CACNA1G protein function with a negative predictive value of 95%. In summary, the available evidence is currently insufficient to determine the role of this variant in disease. Therefore, it has been classified as a Variant of Uncertain Significance.